The following is an entry in ClinVar:

ClinVar aggregate classification (germline): Pathogenic. Review status: criteria provided, multiple submitters, no conflicts (2 of 4 stars). 3 submissions from 3 submitters: Pathogenic (3). Last evaluated 2023-05-10.

Conditions:
CHD7-related disorder. Also called: CHD7-related condition.
CHARGE syndrome (CHARGE). Also called: Coloboma, heart anomaly, choanal atresia, retardation, genital and ear anomalies; CHARGE association; Hall-Hittner syndrome; Hittner Hirsch Kreh syndrome; CHARGE ASSOCIATION--COLOBOMA, HEART ANOMALY, CHOANAL ATRESIA, RETARDATION, GENITAL AND EAR ANOMALIES. Identifiers: Orphanet 138, MedGen C0265354, MONDO:0008965.

Submissions (3):

Baylor Genetics
Classification: Pathogenic for CHD7-related CHARGE syndrome. Last evaluated: 2023-05-10. Review status: criteria provided, single submitter. Criteria: ACMG Guidelines, 2015. Collection method: clinical testing. Allele origin: unknown.

Blueprint Genetics
Classification: Pathogenic for CHD7-related disorders. Last evaluated: 2021-12-22. Review status: criteria provided, single submitter. Criteria: ACMG Guidelines, 2015. Collection method: clinical testing. Allele origin: germline. Affected: yes. Observed: 1 variant allele.

GeneDx
Classification: Pathogenic. Last evaluated: 2018-07-12. Review status: criteria provided, single submitter. Criteria: GeneDx Variant Classification (06012015). Collection method: clinical testing. Allele origin: germline. Affected: yes.
Comment: The Q171X variant in the CHD7 gene has been reported previously in association with CHARGE syndrome (Bartels et al., 2010). This variant is predicted to cause loss of normal protein function either through protein truncation or nonsense-mediated mRNA decay. The Q171X variant is not observed in large population cohorts (Lek et al., 2016). We interpret Q171X as a pathogenic variant.

NM_017780.4(CHD7):c.511C>T (p.Gln171Ter)

Gene: CHD7 (chromodomain helicase DNA binding protein 7; plus strand). Cytogenetic location: 8q12.2.
Variant type: single nucleotide variant.
Coding change: c.511C>T on transcript NM_017780.4 (MANE Select); coding-DNA position 511, C replaced by T.
Protein change: p.Gln171Ter; replaces glutamine 171 with a stop codon.
Molecular consequence: nonsense.
Genome position (GRCh38, 1-based): chr8:60,741,943, C>T. VCF-style: chr8-60741943-C-T. GRCh37 (hg19) VCF-style: chr8-61654502-C-T.
Other names: c.511C>T (LRG_176t1); c.511C>T, p.Gln171Ter (NM_001316690.1); short protein forms Q171*.
Identifiers: ClinVar variation 620120 (VCV000620120.5), dbSNP rs1563560018, ClinGen allele CA371297733.